The following is an entry in ClinVar:

ClinVar aggregate classification (germline): Likely benign. Review status: criteria provided, single submitter (1 of 4 stars). 2 submissions from 2 submitters: Likely benign (1). 1 of the submissions does not count toward it. Last evaluated 2023-02-16.

Conditions:
Mitochondrial trifunctional protein deficiency. Identifiers: Orphanet 746, MedGen C1969443, MONDO:0012172.
HADHB-related disorder. Also called: HADHB-related condition.

Allele frequency attached by ClinVar (database versions not stated): TOPMed below 0.00001; ExAC 0.00001; gnomAD exomes 0.00001.
gnomAD v4.1: 12 of 1,613,868 alleles (0.00074%); highest among the groups gnomAD compares: Non-Finnish European, 0.001%; no homozygotes.

Submissions (2):

Labcorp Genetics (formerly Invitae), Labcorp
Classification: Likely benign for Mitochondrial trifunctional protein deficiency. Last evaluated: 2023-02-16. Review status: criteria provided, single submitter. Criteria: Invitae Variant Classification Sherloc (09022015). Collection method: clinical testing. Allele origin: germline.

PreventionGenetics, part of Exact Sciences
Classification: Likely benign for HADHB-related condition. Last evaluated: 2019-10-14. Review status: no assertion criteria provided. Collection method: clinical testing. Allele origin: germline. Not counted in ClinVar's aggregate classification.
Comment: This variant is classified as likely benign based on ACMG/AMP sequence variant interpretation guidelines (Richards et al. 2015 PMID: 25741868, with internal and published modifications).

NM_000183.3(HADHB):c.451T>C (p.Leu151=)

Gene: HADHB (hydroxyacyl-CoA dehydrogenase trifunctional multienzyme complex subunit beta; plus strand). Cytogenetic location: 2p23.3.
Variant type: single nucleotide variant.
Coding change: c.451T>C on transcript NM_000183.3 (MANE Select); coding-DNA position 451, T replaced by C.
Protein change: p.Leu151=; no amino-acid change (leucine 151 retained).
Molecular consequence: synonymous variant.
Genome position (GRCh38, 1-based): chr2:26,278,622, T>C. VCF-style: chr2-26278622-T-C. GRCh37 (hg19) VCF-style: chr2-26501490-T-C.
Other names: c.406T>C, p.Leu136= (NM_001281512.2); c.385T>C, p.Leu129= (NM_001281513.2); c.451T>C (NM_000183.2).
Identifiers: ClinVar variation 2991276 (VCV002991276.5), dbSNP rs778752845, ClinGen allele CA1560238.